The following is an entry in ClinVar:

NM_006947.4(SRP72):c.789A>G (p.Leu263=)

Gene: SRP72 (signal recognition particle 72; plus strand). Cytogenetic location: 4q12.
Variant type: single nucleotide variant.
Coding change: c.789A>G on transcript NM_006947.4 (MANE Select); coding-DNA position 789, A replaced by G.
Protein change: p.Leu263=; no amino-acid change (leucine 263 retained).
Molecular consequence: synonymous variant. On other transcripts: non-coding transcript variant (1), intron variant (1).
Genome position (GRCh38, 1-based): chr4:56,478,613, A>G. VCF-style: chr4-56478613-A-G. GRCh37 (hg19) VCF-style: chr4-57344779-A-G.
Other names: c.642+1911A>G (NM_001267722.2).
Identifiers: ClinVar variation 349123 (VCV000349123.18), dbSNP rs77935196, ClinGen allele CA2931179.
Genomic context (GRCh38, chr4:56,478,613, plus strand): 5'-AAGGTTTGTTTGGTTTTGACTGTTGCTTGTTGTTCACAGACCAACAGATGTGGGATTACT[A>G]GCTGTAATTGCAAATAACATCATTACCATTAACAAGGTATGGAGTATTTGTGCTTTCCAT-3'
Protein context (NP_008878.3, residues 253-273): IKLKPTDVGL[Leu263=]AVIANNIITI

ClinVar aggregate classification (germline): Benign/Likely benign. Review status: criteria provided, multiple submitters, no conflicts (2 of 4 stars). 5 submissions from 5 submitters: Benign (3); Likely benign (1). 1 of the submissions does not count toward it. Last evaluated 2026-01-19.

Conditions:
SRP72-related disorder. Also called: SRP72-related condition.
Autosomal dominant aplasia and myelodysplasia. Also called: Bone marrow failure syndrome 1. Identifiers: Orphanet 314399, MedGen C3808553, MONDO:0013851, OMIM 614675.

Allele frequency attached by ClinVar (database versions not stated): ESP Exome Variant Server 0.00008; gnomAD 0.00035 and 0.00052; gnomAD exomes 0.00048 and 0.00105; TOPMed 0.00066; ExAC 0.00107; 1000 Genomes Project 30x 0.00219; 1000 Genomes Project 0.00280.
gnomAD v4.1: 776 of 1,614,038 alleles (0.048%); highest among the groups gnomAD compares: East Asian, 1.6%; 9 homozygotes.

Submissions (5):

Labcorp Genetics (formerly Invitae), Labcorp
Classification: Benign. Last evaluated: 2026-01-19. Review status: criteria provided, single submitter. Criteria: Invitae Variant Classification Sherloc (09022015). Collection method: clinical testing. Allele origin: germline.

Blueprint Genetics
Classification: Likely benign. Last evaluated: 2024-05-07. Review status: criteria provided, single submitter. Criteria: ACMG Guidelines, 2015. Collection method: clinical testing. Allele origin: germline.

Genetic Services Laboratory, University of Chicago
Classification: Benign. Last evaluated: 2019-06-13. Review status: criteria provided, single submitter. Criteria: ACMG Guidelines, 2015. Collection method: clinical testing. Allele origin: germline. Affected: no.

Illumina Laboratory Services, Illumina
Classification: Benign for Autosomal dominant aplasia and myelodysplasia. Last evaluated: 2018-01-13. Review status: criteria provided, single submitter. Criteria: ICSL Variant Classification Criteria 13 December 2019. Collection method: clinical testing. Allele origin: germline.
Comment: This variant was observed in the ICSL laboratory as part of a predisposition screen in an ostensibly healthy population. It had not been previously curated by ICSL or reported in the Human Gene Mutation Database (HGMD: prior to June 1st, 2018), and was therefore a candidate for classification through an automated scoring system. Utilizing variant allele frequency, disease prevalence and penetrance estimates, and inheritance mode, an automated score was calculated to assess if this variant is too frequent to cause the disease. Based on the score and internal cut-off values, a variant classified as benign is not then subjected to further curation. The score for this variant resulted in a classification of benign for this disease.

PreventionGenetics, part of Exact Sciences
Classification: Benign for SRP72-related condition. Last evaluated: 2019-08-30. Review status: no assertion criteria provided. Collection method: clinical testing. Allele origin: germline. Not counted in ClinVar's aggregate classification.
Comment: This variant is classified as benign based on ACMG/AMP sequence variant interpretation guidelines (Richards et al. 2015 PMID: 25741868, with internal and published modifications).